The following is an entry in ClinVar:

ClinVar aggregate classification (germline): Conflicting classifications of pathogenicity. Review status: criteria provided, conflicting classifications (1 of 4 stars). 4 submissions from 4 submitters: Uncertain significance (3); Likely benign (1). Last evaluated 2025-11-10.

Conditions:
Hereditary cancer-predisposing syndrome. Also called: Neoplastic Syndromes, Hereditary; Hereditary neoplastic syndrome; Hereditary Cancer Syndrome; Tumor predisposition. Identifiers: Orphanet 140162, MedGen C0027672, MeSH D009386, MONDO:0015356.
POLD1-related polyposis and colorectal cancer syndrome (CRCS10). Also called: Colorectal cancer, susceptibility to, 10; Colorectal cancer 10; COLORECTAL CANCER, SUSCEPTIBILITY TO, ON CHROMOSOME 19q. Identifiers: Orphanet 220460, MedGen C2675481, MONDO:0012953, OMIM 612591.
Immunodeficiency 120. Identifiers: MedGen C5935622, MONDO:0970994, OMIM 620836.
Mandibular hypoplasia-deafness-progeroid syndrome. Also called: Mandibular hypoplasia, deafness, progeroid features, and lipodystrophy syndrome. Identifiers: Orphanet 363649, MedGen C3715192, MONDO:0014157, OMIM 615381.

Allele frequency attached by ClinVar (database versions not stated): gnomAD 0.00001; TOPMed 0.00001.
gnomAD v4.1: 12 of 1,613,940 alleles (0.00074%); highest among the groups gnomAD compares: South Asian, 0.0055%; no homozygotes.

Submissions (4):

Labcorp Genetics (formerly Invitae), Labcorp
Classification: Uncertain significance for POLD1-related polyposis and colorectal cancer syndrome. Last evaluated: 2025-11-10. Review status: criteria provided, single submitter. Criteria: Invitae Variant Classification Sherloc (09022015). Collection method: clinical testing. Allele origin: germline.
Comment: This sequence change replaces arginine, which is basic and polar, with histidine, which is basic and polar, at codon 78 of the POLD1 protein (p.Arg78His). This variant is present in population databases (rs750825686, gnomAD 0.01%). This missense change has been observed in individual(s) with pancreatic cancer (PMID: 34326862). ClinVar contains an entry for this variant (Variation ID: 407959). Invitae Evidence Modeling of protein sequence and biophysical properties (such as structural, functional, and spatial information, amino acid conservation, physicochemical variation, residue mobility, and thermodynamic stability) indicates that this missense variant is not expected to disrupt POLD1 protein function with a negative predictive value of 80%. In summary, the available evidence is currently insufficient to determine the role of this variant in disease. Therefore, it has been classified as a Variant of Uncertain Significance.

Ambry Genetics
Classification: Likely benign for Hereditary cancer-predisposing syndrome. Last evaluated: 2024-11-08. Review status: criteria provided, single submitter. Criteria: Ambry Variant Classification Scheme 2023. Collection method: clinical testing. Allele origin: germline.

Fulgent Genetics
Classification: Uncertain significance for POLD1-related polyposis and colorectal cancer syndrome; Mandibular hypoplasia-deafness-progeroid syndrome; Immunodeficiency 120. Last evaluated: 2024-05-14. Review status: criteria provided, single submitter. Criteria: ACMG Guidelines, 2015. Collection method: clinical testing. Allele origin: germline.

GeneDx
Classification: Uncertain significance. Last evaluated: 2022-07-01. Review status: criteria provided, single submitter. Criteria: GeneDx Variant Classification Process June 2021. Collection method: clinical testing. Allele origin: germline. Affected: yes.
Comment: In silico analysis supports that this missense variant does not alter protein structure/function; Has not been previously published as pathogenic or benign to our knowledge; This variant is associated with the following publications: (PMID: 25583476, 29056344)

Literature cited by the submitters: PubMed 34326862 (cited by Labcorp Genetics (formerly Invitae), Labcorp).

NM_002691.4(POLD1):c.233G>A (p.Arg78His)

Gene: POLD1 (DNA polymerase delta 1, catalytic subunit; plus strand). Cytogenetic location: 19q13.33.
Variant type: single nucleotide variant.
Coding change: c.233G>A on transcript NM_002691.4 (MANE Select); coding-DNA position 233, G replaced by A.
Protein change: p.Arg78His; replaces arginine 78 with histidine.
Molecular consequence: missense variant. On other transcripts: non-coding transcript variant (1).
Genome position (GRCh38, 1-based): chr19:50,399,401, G>A. VCF-style: chr19-50399401-G-A. GRCh37 (hg19) VCF-style: chr19-50902658-G-A.
Other names: c.233G>A, p.Arg78His (NM_001256849.1, NM_001308632.1); c.233G>A (NM_002691.2); short protein forms R78H.
Identifiers: ClinVar variation 407959 (VCV000407959.13), dbSNP rs750825686, ClinGen allele CA9595657.
Genomic context (GRCh38, chr19:50,399,401, plus strand): 5'-GTACTCCACTTCCTTCCCTTCCCCCACCAGGGCAGGTCCCACCATCAGCCATAGATCCTC[G>A]CTGGCTTCGGCCCACACCACCAGCGCTGGACCCCCAGACAGAGCCCCTCATCTTCCAACA-3'
Protein context (NP_002682.2, residues 68-88): GQVPPSAIDP[Arg78His]WLRPTPPALD